The following is an entry in ClinVar:

NM_019098.5(CNGB3):c.1199G>A (p.Trp400Ter)

Gene: CNGB3 (cyclic nucleotide gated channel subunit beta 3; minus strand). Cytogenetic location: 8q21.3.
Variant type: single nucleotide variant.
Coding change: c.1199G>A on transcript NM_019098.5 (MANE Select); coding-DNA position 1199, G replaced by A.
Protein change: p.Trp400Ter; replaces tryptophan 400 with a stop codon.
Molecular consequence: nonsense.
Genome position (GRCh38, 1-based): chr8:86,632,873, C>T on the plus strand (G>A on the coding strand, the complement: CNGB3 is on the minus strand). VCF-style: chr8-86632873-C-T. GRCh37 (hg19) VCF-style: chr8-87645101-C-T.
Other names: short protein forms W400*.
Identifiers: ClinVar variation 3767345 (VCV003767345.1).

ClinVar aggregate classification (germline): Likely pathogenic (1 of 4 stars; one submission).

Conditions:
Achromatopsia 3 (ACHM3). Also called: PINGELAPESE BLINDNESS; TOTAL COLORBLINDNESS WITH MYOPIA; ROD MONOCHROMACY 1; ROD MONOCHROMATISM 1; ACHROMATOPSIA WITH MYOPIA. Identifiers: Orphanet 49382, MedGen C1849792, MONDO:0009875, OMIM 262300.

Submission:

SingHealth Duke-NUS Institute of Precision Medicine
Classification: Likely pathogenic for Achromatopsia 3. Last evaluated: 2025-02-05. Review status: criteria provided, single submitter. Criteria: PRISM ACMG Classification Criteria. Collection method: clinical testing. Allele origin: germline. Affected: yes.
Comment: Variant is predicted to cause nonsense-mediated decay in a gene where LOF is a known cause of pathogenicity (PVS1). Variant is not found in gnomAD genomes or exomes (PM2).